The following is an entry in ClinVar:

ClinVar aggregate classification (germline): Pathogenic/Likely pathogenic. Review status: criteria provided, multiple submitters, no conflicts (2 of 4 stars). 5 submissions from 5 submitters: Pathogenic (2); Likely pathogenic (2). 1 of the submissions does not count toward it. Last evaluated 2026-02-13.

Conditions:
Hereditary spastic paraplegia 52 (SPG52). Also called: SPASTIC PARAPLEGIA 52, AUTOSOMAL RECESSIVE; CEREBRAL PALSY, SPASTIC QUADRIPLEGIC, 6. Identifiers: Orphanet 280763, MedGen C3279743, MONDO:0013552, OMIM 614067.
Hyperalphalipoproteinemia 1 (HALP1). Also called: CETP-Related Hyperalphalipoproteinemia; CETP DEFICIENCY. Identifiers: MedGen C3149462, OMIM 143470.

Allele frequency attached by ClinVar (database versions not stated): 1000 Genomes Project 30x 0.00031; gnomAD exomes 0.00002; ExAC 0.00003; 1000 Genomes Project 0.00040; TOPMed 0.00004.
gnomAD v4.1: 164 of 1,614,016 alleles (0.01%); highest among the groups gnomAD compares: East Asian, 0.27%; 1 homozygote.

Submissions (5):

OLLIN Analises Genomicas, OLLIN
Classification: Likely pathogenic for Hereditary spastic paraplegia 52. Last evaluated: 2026-02-13. Review status: criteria provided, single submitter. Criteria: ACMG Guidelines 2015 PMID 25741868. Collection method: clinical testing. Allele origin: germline. Observed: 1 variant allele.
Comment: PVS1, PM3

Genetics and Genomic Medicine Centre, NeuroGen Healthcare, NeuroGen Healthcare
Classification: Pathogenic for Hyperalphalipoproteinemia 1. Last evaluated: 2025-03-10. Review status: criteria provided, single submitter. Criteria: ACMG Guidelines, 2015. Collection method: clinical testing. Allele origin: unknown. Affected: no.

Genomic Medicine Center of Excellence, King Faisal Specialist Hospital and Research Centre
Classification: Likely pathogenic for Hyperalphalipoproteinemia 1. Last evaluated: 2024-12-19. Review status: criteria provided, single submitter. Criteria: ACMG Guidelines, 2015. Collection method: clinical testing. Allele origin: germline.

Revvity Omics, Revvity
Classification: Pathogenic for Hyperalphalipoproteinemia 1. Last evaluated: 2023-10-30. Review status: criteria provided, single submitter. Criteria: ACMG Guidelines, 2015. Collection method: clinical testing. Allele origin: germline.

OMIM
Classification: Pathogenic for HYPERALPHALIPOPROTEINEMIA 1. Last evaluated: 1990-11-01. Review status: no assertion criteria provided. Collection method: literature only. Allele origin: germline. Not counted in ClinVar's aggregate classification.

Literature cited by the submitters: PubMed 2586614 (cited by OMIM); PubMed 2215607 (cited by OMIM); PubMed 6738363 (cited by OMIM); PubMed 2390095 (cited by OMIM).

NM_000078.3(CETP):c.1321+1G>A

Gene: CETP (cholesteryl ester transfer protein; plus strand). Cytogenetic location: 16q13.
Variant type: single nucleotide variant.
Coding change: c.1321+1G>A on transcript NM_000078.3 (MANE Select); the canonical splice donor site of the intron after coding-DNA position 1321, G replaced by A.
Molecular consequence: splice donor variant.
Genome position (GRCh38, 1-based): chr16:56,982,238, G>A. VCF-style: chr16-56982238-G-A. GRCh37 (hg19) VCF-style: chr16-57016150-G-A.
Other names: IVS14DS, G-A, +1; c.1141+1G>A (NM_001286085.2).
Identifiers: ClinVar variation 17524 (VCV000017524.10), dbSNP rs5742907, ClinGen allele CA8071341.